The following is an entry in ClinVar:

ClinVar aggregate classification (germline): Benign (0 of 4 stars; one submission).

Conditions:
RALGAPB-related disorder. Also called: RALGAPB-related condition.

Allele frequency attached by ClinVar (database versions not stated): ExAC 0.02246; 1000 Genomes Project 0.03534; 1000 Genomes Project 30x 0.03545; gnomAD 0.03853; TOPMed 0.04188; ESP Exome Variant Server 0.04367.
gnomAD v4.1: 36,046 of 1,613,964 alleles (2.2%); highest among the groups gnomAD compares: African/African-American, 9.3%; 672 homozygotes.

Submission:

PreventionGenetics, part of Exact Sciences
Classification: Benign for RALGAPB-related condition. Last evaluated: 2020-02-18. Review status: no assertion criteria provided. Collection method: clinical testing. Allele origin: germline.
Comment: This variant is classified as benign based on ACMG/AMP sequence variant interpretation guidelines (Richards et al. 2015 PMID: 25741868, with internal and published modifications).

NM_020336.4(RALGAPB):c.2430G>T (p.Val810=)

Gene: RALGAPB (Ral GTPase activating protein non-catalytic subunit beta; plus strand). Cytogenetic location: 20q11.23.
Variant type: single nucleotide variant.
Coding change: c.2430G>T on transcript NM_020336.4 (MANE Select); coding-DNA position 2430, G replaced by T.
Protein change: p.Val810=; no amino-acid change (valine 810 retained).
Molecular consequence: synonymous variant.
Genome position (GRCh38, 1-based): chr20:38,539,826, G>T. VCF-style: chr20-38539826-G-T. GRCh37 (hg19) VCF-style: chr20-37168469-G-T.
Other names: c.2430G>T, p.Val810= (NM_001282917.2); c.2418G>T, p.Val806= (NM_001282918.2).
Identifiers: ClinVar variation 3055307 (VCV003055307.2), dbSNP rs6070521, ClinGen allele CA9854243.